The following is an entry in ClinVar:

ClinVar aggregate classification (germline): Uncertain significance (1 of 4 stars; one submission).

Conditions:
DOCK2 deficiency. Also called: Immunodeficiency 40. Identifiers: Orphanet 447737, MedGen C4225328, MONDO:0014637, OMIM 616433.

Submission:

Labcorp Genetics (formerly Invitae), Labcorp
Classification: Uncertain significance for DOCK2 deficiency. Last evaluated: 2022-06-19. Review status: criteria provided, single submitter. Criteria: Invitae Variant Classification Sherloc (09022015). Collection method: clinical testing. Allele origin: germline.
Comment: Variants that disrupt the consensus splice site are a relatively common cause of aberrant splicing (PMID: 17576681, 9536098). Algorithms developed to predict the effect of sequence changes on RNA splicing suggest that this variant is not likely to affect RNA splicing. In summary, the available evidence is currently insufficient to determine the role of this variant in disease. Therefore, it has been classified as a Variant of Uncertain Significance. ClinVar contains an entry for this variant (Variation ID: 966769). This variant has not been reported in the literature in individuals affected with DOCK2-related conditions. This variant is not present in population databases (gnomAD no frequency). This sequence change falls in intron 15 of the DOCK2 gene. It does not directly change the encoded amino acid sequence of the DOCK2 protein. It affects a nucleotide within the consensus splice site.

Literature cited by the submitters: PubMed 17576681; PubMed 9536098.

NM_004946.3(DOCK2):c.1482+6_1482+8del

Gene: DOCK2 (dedicator of cytokinesis 2; plus strand). Cytogenetic location: 5q35.1.
Variant type: Microsatellite.
Coding change: c.1482+6_1482+8del on transcript NM_004946.3 (MANE Select); bases 6 to 8 of the intron after coding-DNA position 1482, 3 bases deleted (AAT; older notation c.1482+6_1482+8delAAT).
Molecular consequence: splice donor variant.
Genome position (GRCh38, 1-based): chr5:169,708,273-169,708,275, AAT deleted; deleting any 3 consecutive bases within chr5:169,708,269-169,708,275 gives the same sequence; the c. name uses the placement nearest the transcript's 3' end. VCF-style (leftmost placement, unchanged base first): chr5-169708268-GTAA-G. GRCh37 (hg19) VCF-style: chr5-169135272-GTAA-G.
Identifiers: ClinVar variation 966769 (VCV000966769.7), dbSNP rs1761384606, ClinGen allele CA1600044431.
Genomic context (GRCh38, chr5:169,708,268, plus strand): 5'-GAGTATCGCTCCGTTGTGTACTATCAAGTCAAACAGCCACGCTGGATGGAAACAGTCAAG[GTAA>G]TAATTAATAATAGCAGCAAACACATGTCTAGTTCTTACCATGAACCAGGCACTGTTTTAA-3'